The following is an entry in ClinVar:

ClinVar aggregate classification (germline): Uncertain significance (1 of 4 stars; one submission).

Conditions:
Cardiovascular phenotype. Identifiers: MedGen CN230736.

Submission:

Ambry Genetics
Classification: Uncertain significance for Cardiovascular phenotype. Last evaluated: 2023-01-22. Review status: criteria provided, single submitter. Criteria: Ambry Variant Classification Scheme 2023. Collection method: clinical testing. Allele origin: germline.
Comment: The p.V41A variant (also known as c.122T>C), located in coding exon 2 of the APOA5 gene, results from a T to C substitution at nucleotide position 122. The valine at codon 41 is replaced by alanine, an amino acid with similar properties. This amino acid position is conserved. In addition, this alteration is predicted to be tolerated by in silico analysis. Since supporting evidence is limited at this time, the clinical significance of this alteration remains unclear.

NM_001371904.1(APOA5):c.122T>C (p.Val41Ala)

Genes: APOA5 (apolipoprotein A5; minus strand), LOC108491825 (enhancer-blocking element 11-1-2 overlapping APOA5; plus strand). Cytogenetic location: 11q23.3.
Variant type: single nucleotide variant.
Coding change: c.122T>C on transcript NM_001371904.1 (MANE Select); coding-DNA position 122, T replaced by C.
Protein change: p.Val41Ala; replaces valine 41 with alanine.
Molecular consequence: missense variant.
Genome position (GRCh38, 1-based): chr11:116,791,625, A>G on the plus strand (T>C on the coding strand, the complement: APOA5 is on the minus strand). VCF-style: chr11-116791625-A-G. GRCh37 (hg19) VCF-style: chr11-116662341-A-G.
Other names: c.122T>C, p.Val41Ala (NM_001166598.2, NM_052968.5); short protein forms V41A.
Identifiers: ClinVar variation 2452820 (VCV002452820.2), dbSNP rs1177063839, ClinGen allele CA382740982.